The following is an entry in ClinVar:

NM_004958.4(MTOR):c.4686+5A>C

Genes: MTOR (mechanistic target of rapamycin kinase; minus strand), MTOR-AS1 (MTOR antisense RNA 1; plus strand). Cytogenetic location: 1p36.22.
Variant type: single nucleotide variant.
Coding change: c.4686+5A>C on transcript NM_004958.4 (MANE Select); 5 bases into the intron after coding-DNA position 4686, A replaced by C.
Molecular consequence: intron variant.
Genome position (GRCh38, 1-based): chr1:11,146,671, T>G on the plus strand (A>C on the coding strand, the complement: MTOR is on the minus strand). VCF-style: chr1-11146671-T-G. GRCh37 (hg19) VCF-style: chr1-11206728-T-G.
Other names: c.3438+5A>C (NM_001386501.1); c.4686+5A>C (NM_001386500.1).
Identifiers: ClinVar variation 2023765 (VCV002023765.4), dbSNP rs2522507402, ClinGen allele CA2580060505.

ClinVar aggregate classification (germline): Uncertain significance (1 of 4 stars; one submission).

Submission:

Labcorp Genetics (formerly Invitae), Labcorp
Classification: Uncertain significance. Last evaluated: 2024-10-27. Review status: criteria provided, single submitter. Criteria: Invitae Variant Classification Sherloc (09022015). Collection method: clinical testing. Allele origin: germline.
Comment: This sequence change falls in intron 32 of the MTOR gene. It does not directly change the encoded amino acid sequence of the MTOR protein. It affects a nucleotide within the consensus splice site. This variant is not present in population databases (gnomAD no frequency). This variant has not been reported in the literature in individuals affected with MTOR-related conditions. ClinVar contains an entry for this variant (Variation ID: 2023765). Variants that disrupt the consensus splice site are a relatively common cause of aberrant splicing (PMID: 17576681, 9536098). Algorithms developed to predict the effect of sequence changes on RNA splicing suggest that this variant is not likely to affect RNA splicing. In summary, the available evidence is currently insufficient to determine the role of this variant in disease. Therefore, it has been classified as a Variant of Uncertain Significance.

Literature cited by the submitters: PubMed 17576681; PubMed 9536098.